The following is an entry in ClinVar:

NM_030665.4(RAI1):c.4096C>T (p.Arg1366Cys)

Gene: RAI1 (retinoic acid induced 1; plus strand). Cytogenetic location: 17p11.2.
Variant type: single nucleotide variant.
Coding change: c.4096C>T on transcript NM_030665.4 (MANE Select); coding-DNA position 4096, C replaced by T.
Protein change: p.Arg1366Cys; replaces arginine 1366 with cysteine.
Molecular consequence: missense variant.
Genome position (GRCh38, 1-based): chr17:17,797,044, C>T. VCF-style: chr17-17797044-C-T. GRCh37 (hg19) VCF-style: chr17-17700358-C-T.
Other names: short protein forms R1366C.
Identifiers: ClinVar variation 1336356 (VCV001336356.13), dbSNP rs375295086, ClinGen allele CA8418889.

ClinVar aggregate classification (germline): Likely benign. Review status: criteria provided, multiple submitters, no conflicts (2 of 4 stars). 4 submissions from 4 submitters: Likely benign (4). Last evaluated 2025-04-07.

Conditions:
RAI1-related disorder. Also called: RAI1-related condition.
Inborn genetic diseases. Identifiers: MedGen C0950123, MeSH D030342.

Allele frequency attached by ClinVar (database versions not stated): gnomAD 0.00002 and 0.00003; gnomAD exomes 0.00002 and 0.00005; ExAC 0.00005; ESP Exome Variant Server 0.00015; 1000 Genomes Project 0.00020; 1000 Genomes Project 30x 0.00031.
gnomAD v4.1: 69 of 1,613,888 alleles (0.0043%); highest among the groups gnomAD compares: Non-Finnish European, 0.0053%; no homozygotes.

Submissions (4):

Labcorp Genetics (formerly Invitae), Labcorp
Classification: Likely benign. Last evaluated: 2025-04-07. Review status: criteria provided, single submitter. Criteria: Invitae Variant Classification Sherloc (09022015). Collection method: clinical testing. Allele origin: germline.

PreventionGenetics, part of Exact Sciences
Classification: Likely benign for RAI1-related condition. Last evaluated: 2025-03-14. Review status: criteria provided, single submitter. Criteria: ACMG Guidelines, 2015. Collection method: clinical testing. Allele origin: germline.
Comment: This variant is classified as likely benign based on ACMG/AMP sequence variant interpretation guidelines (Richards et al. 2015 PMID: 25741868, with internal and published modifications).

Ambry Genetics
Classification: Likely benign for Inborn genetic diseases. Last evaluated: 2024-10-28. Review status: criteria provided, single submitter. Criteria: Ambry Variant Classification Scheme 2023. Collection method: clinical testing. Allele origin: germline.

Genetic Services Laboratory, University of Chicago
Classification: Likely benign. Last evaluated: 2018-01-16. Review status: criteria provided, single submitter. Criteria: ACMG Guidelines, 2015. Collection method: clinical testing. Allele origin: germline. Affected: no.